The following is an entry in ClinVar:

ClinVar aggregate classification (germline): Conflicting classifications of pathogenicity. Review status: criteria provided, conflicting classifications (1 of 4 stars). 25 submissions from 20 submitters: Uncertain significance (11); Benign (2); Likely benign (8). 4 of the submissions do not count toward it. Last evaluated 2026-06-01.

Conditions:
Distal myopathy. Identifiers: Orphanet 599, MedGen C0751336, MONDO:0018949.
TTN-related disorder. Also called: TTN-related disorders; TTN-related condition; TTN-related disease.
Dilated cardiomyopathy 1G (CMD1G). Identifiers: Orphanet 154, MedGen C1858763, MONDO:0011400, OMIM 604145.
Autosomal recessive limb-girdle muscular dystrophy type 2J (LGMDR10). Also called: Limb-girdle muscular dystrophy, type 2J; MUSCULAR DYSTROPHY, LIMB-GIRDLE, AUTOSOMAL RECESSIVE 10. Identifiers: Orphanet 140922, MedGen C1837342, MONDO:0012127, OMIM 608807.
Limb-girdle muscular dystrophy (LGMD). Also called: Muscular Dystrophies, Limb-Girdle. Identifiers: Orphanet 263, MedGen C0686353, MeSH D049288, MONDO:0016971, HP:0006785.
Cardiomyopathy (CMYO). Also called: Cardiomyopathies. Identifiers: Orphanet 167848, MedGen C0878544, MONDO:0004994, HP:0001638. Inheritance: Various modes of inheritance.
Tibial muscular dystrophy (TMD). Also called: UDD MYOPATHY; Tibial muscular dystrophy, tardive; Udd Distal Myopathy – Tibial Muscular Dystrophy. Identifiers: Orphanet 609, MedGen C1838244, MONDO:0010870, OMIM 600334.
Early-onset myopathy with fatal cardiomyopathy (CMYO5). Also called: CONGENITAL MYOPATHY 5 WITH CARDIOMYOPATHY; Salih Myopathy. Identifiers: Orphanet 289377, MedGen C2673677, MONDO:0012714, OMIM 611705. Disease mechanism: loss of function.
Myopathy, myofibrillar, 9, with early respiratory failure (MFM9). Also called: Hereditary myopathy with early respiratory failure; MYOPATHY, PROXIMAL, WITH EARLY RESPIRATORY MUSCLE INVOLVEMENT; EDSTROM MYOPATHY; Myopathy, distal, with early respiratory failure, autosomal dominant. Identifiers: Orphanet 178464, Orphanet 34521, MedGen C1863599, MONDO:0011362, OMIM 603689.

Allele frequency attached by ClinVar (database versions not stated): 1000 Genomes Project 0.00020; 1000 Genomes Project 30x 0.00031; ESP Exome Variant Server 0.00068; gnomAD exomes 0.00077 and 0.00148; TOPMed 0.00077; gnomAD 0.00082 and 0.00083; ExAC 0.00083.

Submissions 1 to 15 of 25:

CeGaT Center for Human Genetics Tuebingen
Classification: Likely benign. Last evaluated: 2026-06-01. Review status: criteria provided, single submitter. Criteria: CeGaT Center For Human Genetics Tuebingen Variant Classification Criteria Version 2. Collection method: clinical testing. Allele origin: germline. Affected: yes. Observed: 7 variant alleles.
Comment: TTN: BP4

Molecular Diagnostic Laboratory for Inherited Cardiovascular Disease, Montreal Heart Institute
Classification: Likely benign. Last evaluated: 2026-03-27. Review status: criteria provided, single submitter. Criteria: ACMG Guidelines, 2015. Collection method: clinical testing. Allele origin: germline. Affected: no.
Comment: BS1;BP1

Labcorp Genetics (formerly Invitae), Labcorp
Classification: Likely benign for Dilated cardiomyopathy 1G; Autosomal recessive limb-girdle muscular dystrophy type 2J. Last evaluated: 2026-02-03. Review status: criteria provided, single submitter. Criteria: Invitae Variant Classification Sherloc (09022015). Collection method: clinical testing. Allele origin: germline.

Mayo Clinic Laboratories, Mayo Clinic
Classification: Likely benign. Last evaluated: 2025-10-22. Review status: criteria provided, single submitter. Criteria: ACMG Guidelines, 2015. Collection method: clinical testing. Allele origin: germline. Observed: 7 variant alleles.
Comment: BS2, BP4_moderate

Athena Diagnostics
Classification: Likely benign. Last evaluated: 2025-03-26. Review status: criteria provided, single submitter. Criteria: Athena Diagnostics Criteria. Collection method: clinical testing. Allele origin: unknown.
Comment: The frequency of this variant in the general population is higher than would generally be expected for pathogenic variants in this gene.

Blueprint Genetics
Classification: Likely benign. Last evaluated: 2024-11-22. Review status: criteria provided, single submitter. Criteria: ACMG Guidelines, 2015. Collection method: clinical testing. Allele origin: germline.

ARUP Laboratories, Molecular Genetics and Genomics, ARUP Laboratories
Classification: Uncertain significance. Last evaluated: 2024-11-06. Review status: criteria provided, single submitter. Criteria: ARUP Molecular Germline Variant Investigation Process 2024. Collection method: clinical testing. Allele origin: germline.
Comment: The TTN c.26494A>G; p.Ile8832Val variant (rs72648989; ClinVar Variation ID: 177972) is rare in the general population (<0.2% allele frequency in the Genome Aggregation Database) and has not been reported in the medical literature in association with dilated cardiomyopathy (DCM) or other TTN-related disease. The clinical relevance of rare missense variants in this gene, which are identified on average once per individual sequenced in affected populations (Herman 2012), is not well understood. Yet, evidence suggests that the vast majority of such missense variants do not contribute to the clinical outcome of DCM (Begay 2015). Thus, the clinical significance of the p.Ile8832Val variant cannot be determined with certainty.

GeneDx
Classification: Likely benign. Last evaluated: 2020-09-23. Review status: criteria provided, single submitter. Criteria: GeneDx Variant Classification Process June 2021. Collection method: clinical testing. Allele origin: germline. Affected: yes.
Comment: This variant is associated with the following publications: (PMID: 23396983, 23861362)

Cambridge Genomics Laboratory, East Genomic Laboratory Hub, NHS Genomic Medicine Service
Classification: Uncertain significance for Limb-girdle muscular dystrophy. Last evaluated: 2020-04-29. Review status: criteria provided, single submitter. Criteria: ACGS Best Practice Guidelines for Variant Classification in Rare Disease 2020. Collection method: clinical testing. Allele origin: germline. Affected: yes. Observed: 1 variant allele.

Women's Health and Genetics/Laboratory Corporation of America, LabCorp
Classification: Likely benign. Last evaluated: 2020-01-20. Review status: criteria provided, single submitter. Criteria: LabCorp Variant Classification Summary - May 2015. Collection method: clinical testing. Allele origin: germline.
Comment: Variant summary: TTN c.22762A>G (p.Ile7588Val) results in a conservative amino acid change located in the I-Band region of the encoded protein sequence. Three of four in-silico tools predict a benign effect of the variant on protein function. The variant allele was found at a frequency of 0.00077 in 245890 control chromosomes. The observed variant frequency is approximately 1.24 fold of the estimated maximal expected allele frequency for a pathogenic variant in TTN causing Cardiomyopathy phenotype (0.00063), strongly suggesting that the variant is benign. c.22762A>G has been reported in the literature without strong evidence for causality (Campuzano_2015, Mademont-Soler_2017). These report(s) do not provide unequivocal conclusions about association of the variant with Cardiomyopathy. To our knowledge, no experimental evidence demonstrating an impact on protein function has been reported. Five clinical diagnostic laboratories have submitted clinical-significance assessments for this variant to ClinVar after 2014 without evidence for independent evaluation. Multiple laboratories reported the variant with conflicting assessments (3 VUS, 2 likely benign). Based on the evidence outlined above, the variant was classified as likely benign.

Cambridge Genomics Laboratory, East Genomic Laboratory Hub, NHS Genomic Medicine Service
Classification: Uncertain significance for Distal myopathy. Last evaluated: 2020-01-13. Review status: criteria provided, single submitter. Criteria: ACGS Best Practice Guidelines for Variant Classification in Rare Disease 2020. Collection method: clinical testing. Allele origin: germline. Affected: yes. Observed: 1 variant allele.

Illumina Laboratory Services, Illumina
Classification: Uncertain significance for Early-onset myopathy with fatal cardiomyopathy. Last evaluated: 2018-01-13. Review status: criteria provided, single submitter. Criteria: ICSL Variant Classification Criteria 13 December 2019. Collection method: clinical testing. Allele origin: germline.

Illumina Laboratory Services, Illumina
Classification: Uncertain significance for Autosomal recessive limb-girdle muscular dystrophy type 2J. Last evaluated: 2018-01-13. Review status: criteria provided, single submitter. Criteria: ICSL Variant Classification Criteria 13 December 2019. Collection method: clinical testing. Allele origin: germline.

Illumina Laboratory Services, Illumina
Classification: Benign for Myopathy, myofibrillar, 9, with early respiratory failure. Last evaluated: 2018-01-13. Review status: criteria provided, single submitter. Criteria: ICSL Variant Classification Criteria 13 December 2019. Collection method: clinical testing. Allele origin: germline.
Comment: This variant was observed in the ICSL laboratory as part of a predisposition screen in an ostensibly healthy population. It had not been previously curated by ICSL or reported in the Human Gene Mutation Database (HGMD: prior to June 1st, 2018), and was therefore a candidate for classification through an automated scoring system. Utilizing variant allele frequency, disease prevalence and penetrance estimates, and inheritance mode, an automated score was calculated to assess if this variant is too frequent to cause the disease. Based on the score and internal cut-off values, a variant classified as benign is not then subjected to further curation. The score for this variant resulted in a classification of benign for this disease.

Illumina Laboratory Services, Illumina
Classification: Benign for Tibial muscular dystrophy. Last evaluated: 2018-01-13. Review status: criteria provided, single submitter. Criteria: ICSL Variant Classification Criteria 13 December 2019. Collection method: clinical testing. Allele origin: germline.
Comment: the same text as in the submission from Illumina Laboratory Services, Illumina above.

NM_001267550.2(TTN):c.26494A>G (p.Ile8832Val)

Gene: TTN (titin; minus strand). Cytogenetic location: 2q31.2.
Variant type: single nucleotide variant.
Coding change: c.26494A>G on transcript NM_001267550.2 (MANE Select); coding-DNA position 26494, A replaced by G.
Protein change: p.Ile8832Val; replaces isoleucine 8832 with valine.
Molecular consequence: missense variant. On other transcripts: intron variant (3).
Genome position (GRCh38, 1-based): chr2:178,714,164, T>C on the plus strand (A>G on the coding strand, the complement: TTN is on the minus strand). VCF-style: chr2-178714164-T-C. GRCh37 (hg19) VCF-style: chr2-179578891-T-C.
Other names: p.I8515V:ATT>GTT; c.25543A>G, p.Ile8515Val (NM_001256850.1); c.22762A>G, p.Ile7588Val (NM_133378.4); c.13282+23918A>G (NM_003319.4); c.13858+23918A>G (NM_133437.4); c.13657+23918A>G (NM_133432.3); short protein forms I7588V, I8832V, I8515V.
Identifiers: ClinVar variation 177972 (VCV000177972.85), dbSNP rs72648989, ClinGen allele CA181096.